The following is an entry in ClinVar:

ClinVar aggregate classification (germline): Pathogenic (1 of 4 stars; one submission).

Conditions:
Neurofibromatosis, type 1 (NF1). Also called: VON RECKLINGHAUSEN DISEASE; Peripheral type neurofibromatosis; NEUROFIBROMATOSIS, TYPE I, SOMATIC; Neurofibromatosis, type I. Identifiers: Orphanet 636, MedGen C0027831, MONDO:0018975, OMIM 162200. Disease mechanism: loss of function.

Submission:

Labcorp Genetics (formerly Invitae), Labcorp
Classification: Pathogenic for Neurofibromatosis, type 1. Last evaluated: 2025-11-10. Review status: criteria provided, single submitter. Criteria: Invitae Variant Classification Sherloc (09022015). Collection method: clinical testing. Allele origin: germline.
Comment: This sequence change creates a premature translational stop signal (p.Val325Alafs*51) in the NF1 gene. It is expected to result in an absent or disrupted protein product. Loss-of-function variants in NF1 are known to be pathogenic (PMID: 10712197, 23913538). This variant is not present in population databases (gnomAD no frequency). This variant has not been reported in the literature in individuals affected with NF1-related conditions. ClinVar contains an entry for this variant (Variation ID: 1076089). Algorithms developed to predict the effect of sequence changes on RNA splicing suggest that this variant may disrupt the consensus splice site. For these reasons, this variant has been classified as Pathogenic.

Literature cited by the submitters: PubMed 10712197; PubMed 23913538.

NM_001042492.3(NF1):c.974del (p.Val325fs)

Gene: NF1 (neurofibromin 1; plus strand). Cytogenetic location: 17q11.2.
Variant type: Deletion.
Coding change: c.974del on transcript NM_001042492.3 (MANE Select); coding-DNA position 974, one base deleted (T; older notation c.974delT).
Protein change: p.Val325fs; shifts the reading frame from valine 325.
Molecular consequence: frameshift variant.
Genome position (GRCh38, 1-based): chr17:31,200,507, T deleted. VCF-style (leftmost placement, unchanged base first): chr17-31200506-GT-G. GRCh37 (hg19) VCF-style: chr17-29527524-GT-G.
Other names: c.974delT, p.Val325Alafs (NM_000267.4); c.974del, p.Val325fs (NM_001128147.3); short protein forms V325fs.
Identifiers: ClinVar variation 1076089 (VCV001076089.5), dbSNP rs2143873205, ClinGen allele CA2499224011.